The following is an entry in ClinVar:

ClinVar aggregate classification (germline): Conflicting classifications of pathogenicity. Review status: criteria provided, conflicting classifications (1 of 4 stars). 2 submissions from 2 submitters: Uncertain significance (1); Likely benign (1). Last evaluated 2024-06-24.

Conditions:
Cardiovascular phenotype. Identifiers: MedGen CN230736.
Hereditary hemorrhagic telangiectasia (HHT). Also called: ORW DISEASE; Osler Weber Rendu syndrome; OSLER-RENDU-WEBER DISEASE; Osler hemorrhagic telangiectasia syndrome. Identifiers: Orphanet 774, MedGen C0039445, MONDO:0019180. Disease mechanism: loss of function.

Allele frequency attached by ClinVar (database versions not stated): TOPMed 0.00004; gnomAD exomes 0.00001; gnomAD 0.00001.
gnomAD v4.1: 13 of 1,596,528 alleles (0.00081%); highest among the groups gnomAD compares: Admixed American, 0.0035%; no homozygotes.

Submissions (2):

Labcorp Genetics (formerly Invitae), Labcorp
Classification: Uncertain significance for Hereditary hemorrhagic telangiectasia. Last evaluated: 2024-06-24. Review status: criteria provided, single submitter. Criteria: Invitae Variant Classification Sherloc (09022015). Collection method: clinical testing. Allele origin: germline.
Comment: This sequence change replaces arginine, which is basic and polar, with histidine, which is basic and polar, at codon 192 of the ENG protein (p.Arg192His). The frequency data for this variant in the population databases is considered unreliable, as metrics indicate poor data quality at this position in the gnomAD database. This variant has not been reported in the literature in individuals affected with ENG-related conditions. ClinVar contains an entry for this variant (Variation ID: 644991). Advanced modeling of protein sequence and biophysical properties (such as structural, functional, and spatial information, amino acid conservation, physicochemical variation, residue mobility, and thermodynamic stability) performed at Invitae indicates that this missense variant is not expected to disrupt ENG protein function with a negative predictive value of 95%. In summary, the available evidence is currently insufficient to determine the role of this variant in disease. Therefore, it has been classified as a Variant of Uncertain Significance.

Ambry Genetics
Classification: Likely benign for Cardiovascular phenotype. Last evaluated: 2018-03-19. Review status: criteria provided, single submitter. Criteria: Ambry Variant Classification Scheme 2023. Collection method: clinical testing. Allele origin: germline.

NM_001114753.3(ENG):c.575G>A (p.Arg192His)

Gene: ENG (endoglin; minus strand). Cytogenetic location: 9q34.11.
Variant type: single nucleotide variant.
Coding change: c.575G>A on transcript NM_001114753.3 (MANE Select); coding-DNA position 575, G replaced by A.
Protein change: p.Arg192His; replaces arginine 192 with histidine.
Molecular consequence: missense variant.
Genome position (GRCh38, 1-based): chr9:127,825,809, C>T on the plus strand (G>A on the coding strand, the complement: ENG is on the minus strand). VCF-style: chr9-127825809-C-T. GRCh37 (hg19) VCF-style: chr9-130588088-C-T.
Other names: c.575G>A, p.Arg192His (NM_000118.4, NM_001406715.1); c.29G>A, p.Arg10His (NM_001278138.2); short protein forms R10H, R192H.
Identifiers: ClinVar variation 644991 (VCV000644991.12), dbSNP rs1029569378, ClinGen allele CA200314095.